The following is an entry in ClinVar:

ClinVar aggregate classification (germline): Conflicting classifications of pathogenicity. Review status: criteria provided, conflicting classifications (1 of 4 stars). 4 submissions from 4 submitters: Likely pathogenic (1); Uncertain significance (2). 1 of the submissions does not count toward it. Last evaluated 2025-11-06.

Conditions:
Leukodystrophy, hypomyelinating, 8, with or without oligodontia and/or hypogonadotropic hypogonadism. Also called: LEUKODYSTROPHY, HYPOMYELINATING, 8, WITH HYPODONTIA AND HYPOGONADOTROPIC HYPOGONADISM; Hypomyelinating leukodystrophy 8 with or without oligodontia and-or hypogonadotropic hypogonadism; Endosteal sclerosis-cerebellar hypoplasia syndrome. Identifiers: Orphanet 85186, Orphanet 88637, MedGen C3280644, MONDO:0013722, OMIM 614381.

Allele frequency attached by ClinVar (database versions not stated): gnomAD 0.00001; TOPMed 0.00002.
gnomAD v4.1: 28 of 1,610,442 alleles (0.0017%); highest among the groups gnomAD compares: Non-Finnish European, 0.0022%; no homozygotes.

Submissions (4):

GeneDx
Classification: Uncertain significance. Last evaluated: 2025-11-06. Review status: criteria provided, single submitter. Criteria: GeneDx Variant Classification Process June 2021. Collection method: clinical testing. Allele origin: germline. Affected: yes.
Comment: Canonical splice site variant predicted to result in an in-frame loss of the adjacent exon in a gene for which loss of function is a known mechanism of disease; This variant is associated with the following publications: (PMID: 29552364, 25339210)

Labcorp Genetics (formerly Invitae), Labcorp
Classification: Likely pathogenic. Last evaluated: 2025-05-13. Review status: criteria provided, single submitter. Criteria: Invitae Variant Classification Sherloc (09022015). Collection method: clinical testing. Allele origin: germline.
Comment: This sequence change affects a donor splice site in intron 14 of the POLR3B gene. It is expected to disrupt RNA splicing. Variants that disrupt the donor or acceptor splice site typically lead to a loss of protein function (PMID: 16199547), and loss-of-function variants in POLR3B are known to be pathogenic (PMID: 25339210). This variant is present in population databases (no rsID available, gnomAD 0.01%). Disruption of this splice site has been observed in individual(s) with leukodystrophy (PMID: 25339210). ClinVar contains an entry for this variant (Variation ID: 503678). Algorithms developed to predict the effect of sequence changes on RNA splicing suggest that this variant may disrupt the consensus splice site. In summary, the currently available evidence indicates that the variant is pathogenic, but additional data are needed to prove that conclusively. Therefore, this variant has been classified as Likely Pathogenic.

Broad Center for Mendelian Genomics, Broad Institute of MIT and Harvard
Classification: Uncertain significance for Leukodystrophy, hypomyelinating, 8, with or without oligodontia and/or hypogonadotropic hypogonadism. Last evaluated: 2022-02-24. Review status: criteria provided, single submitter. Criteria: ACMG Guidelines, 2015. Collection method: curation. Allele origin: germline. Inheritance: Autosomal recessive inheritance.
Comment: The c.1464+1G>A variant in POLR3B has been reported in 1 individual in the compound heterozygous statewith 4H leukodystrophy (PMID: 25339210) and has been identified in 0.01% (2/15422) of European (non-Finnish) chromosomes by the Genome Aggregation Database (gnomAD; dbSNP ID: rs1158662109). Although this variant has been seen in the general population in a heterozygous state, its frequency is not high enough to rule out a pathogenic role. This variant has also been reported in ClinVar (Variation ID#: 503678) and has been interpreted as likely pathogenic or pathogenic by GeneDx and GeneReviews. This variant is located in the 3' splice region. Computational tools predict a splicing impact, though this information is not predictive enough to determine pathogenicity. This variant is adjacent to an in-frame exon and is more likely to escape nonsense mediated decay (NMD) and result in a truncated protein. Loss of function of the POLR3B gene is an established disease mechanism in autosomal recessive 4H leukodystrophy. In summary, the clinical significance of the c.1464+1G>A variant is uncertain. ACMG/AMP Criteria applied: PVS1_moderate, PM3_supporting (Richards 2015).

GeneReviews
No classification provided. Condition: Leukodystrophy, hypomyelinating, 8, with or without oligodontia and/or hypogonadotropic hypogonadism. Review status: no classification provided. Collection method: literature only. Allele origin: germline. Not counted in ClinVar's aggregate classification.

Literature cited by the submitters: PubMed 16199547 (cited by Labcorp Genetics (formerly Invitae), Labcorp); PubMed 25339210 (cited by Labcorp Genetics (formerly Invitae), Labcorp and GeneReviews); PubMed 22855961 (cited by GeneReviews).

NM_018082.6(POLR3B):c.1464+1G>A

Gene: POLR3B (RNA polymerase III subunit B; plus strand). Cytogenetic location: 12q23.3.
Variant type: single nucleotide variant.
Coding change: c.1464+1G>A on transcript NM_018082.6 (MANE Select); the canonical splice donor site of the intron after coding-DNA position 1464, G replaced by A.
Molecular consequence: splice donor variant.
Genome position (GRCh38, 1-based): chr12:106,430,474, G>A. VCF-style: chr12-106430474-G-A. GRCh37 (hg19) VCF-style: chr12-106824252-G-A.
Other names: c.1290+1G>A (NM_001160708.2).
Identifiers: ClinVar variation 503678 (VCV000503678.9), dbSNP rs1158662109, ClinGen allele CA386389428.